The following is an entry in ClinVar:

NM_001163435.3(TBCK):c.677T>C (p.Leu226Ser)

Gene: TBCK (TBC1 domain containing kinase; minus strand). Cytogenetic location: 4q24.
Variant type: single nucleotide variant.
Coding change: c.677T>C on transcript NM_001163435.3 (MANE Select); coding-DNA position 677, T replaced by C.
Protein change: p.Leu226Ser; replaces leucine 226 with serine.
Molecular consequence: missense variant.
Genome position (GRCh38, 1-based): chr4:106,248,964, A>G on the plus strand (T>C on the coding strand, the complement: TBCK is on the minus strand). VCF-style: chr4-106248964-A-G. GRCh37 (hg19) VCF-style: chr4-107170121-A-G.
Other names: c.677T>C, p.Leu226Ser (NM_001163436.4); c.560T>C, p.Leu187Ser (NM_001163437.3); c.161T>C, p.Leu54Ser (NM_001290768.2); c.488T>C, p.Leu163Ser (NM_033115.5); short protein forms L163S, L226S, L54S, L187S.
Identifiers: ClinVar variation 1416522 (VCV001416522.8), dbSNP rs758167759, ClinGen allele CA3035340.
Genomic context (GRCh38, chr4:106,248,964, plus strand): 5'-CCAGATTAATGACAAACCTTTATAATGTCCAAACAACCATGCTCTTCAGCCAGAACTATT[A>G]AAGTGTCATCTACACAATCTATAAAACAGAAAAACTATATGAATAAATGCTATTTTTCTA-3'
Protein context (NP_001156907.2, residues 216-236): LLTLDCVDDT[Leu226Ser]IVLAEEHGCL

ClinVar aggregate classification (germline): Uncertain significance (1 of 4 stars; one submission).

Allele frequency attached by ClinVar (database versions not stated): gnomAD exomes below 0.00001 and 0.00001; ExAC 0.00002.
gnomAD v4.1: 2 of 1,607,190 alleles (0.00012%); highest among the groups gnomAD compares: Non-Finnish European, 0.00017%; no homozygotes.

Submission:

Labcorp Genetics (formerly Invitae), Labcorp
Classification: Uncertain significance. Last evaluated: 2022-07-06. Review status: criteria provided, single submitter. Criteria: Invitae Variant Classification Sherloc (09022015). Collection method: clinical testing. Allele origin: germline.
Comment: Algorithms developed to predict the effect of missense changes on protein structure and function are either unavailable or do not agree on the potential impact of this missense change (SIFT: "Deleterious"; PolyPhen-2: "Possibly Damaging"; Align-GVGD: "Class C0"). In summary, the available evidence is currently insufficient to determine the role of this variant in disease. Therefore, it has been classified as a Variant of Uncertain Significance. ClinVar contains an entry for this variant (Variation ID: 1416522). This sequence change replaces leucine, which is neutral and non-polar, with serine, which is neutral and polar, at codon 226 of the TBCK protein (p.Leu226Ser). This variant is present in population databases (rs758167759, gnomAD 0.002%). This variant has not been reported in the literature in individuals affected with TBCK-related conditions.